The following is an entry in ClinVar:

NM_001145026.2(PTPRQ):c.473_474insTA (p.Val159fs)

Gene: PTPRQ (protein tyrosine phosphatase receptor type Q; plus strand). Cytogenetic location: 12q21.31.
Variant type: Insertion.
Coding change: c.473_474insTA on transcript NM_001145026.2 (MANE Select); coding-DNA positions 473 to 474, TA inserted.
Protein change: p.Val159fs; shifts the reading frame from valine 159.
Molecular consequence: frameshift variant.
Genome position: GRCh38 VCF-style: chr12-80459296-T-TTA. GRCh37 (hg19) VCF-style: chr12-80850880-C-CTA.
Other names: short protein forms V159fs.
Identifiers: ClinVar variation 3340153 (VCV003340153.1).
Genomic context (GRCh38, chr12:80,459,296, plus strand): 5'-TAAGTTTTATAACAAAGTTTTTTCCTTCCCAATCTTTCTCTTCCCCAGCTCCAGGAAAAG[T>TTA]GGTGAATCTCACAGTTGAGGCCTACAACGCTTCAGCAGTTAAGCTGATTTGGTATTTACC-3'

ClinVar aggregate classification (germline): Pathogenic (1 of 4 stars; one submission).

Conditions:
Hearing loss, autosomal recessive. Also called: Deafness, autosomal recessive; Autosomal recessive nonsyndromic deafness; Rare autosomal recessive non-syndromic sensorineural deafness type DFNB; Nonsyndromic Hearing Loss, Recessive. Identifiers: Orphanet 90635, Orphanet 90636, MedGen C1846647, MONDO:0019588, OMIM 607197.

Submission:

Laboratory of Human Genetics, Universidade de São Paulo
Classification: Pathogenic for Hearing loss, autosomal recessive. Last evaluated: 2024-05-01. Review status: criteria provided, single submitter. Criteria: ClinGen HL ACMG Specifications v1. Collection method: research. Allele origin: biparental. Affected: yes. Observed: 1 variant allele.
Comment: The PTPRQ:c.473_474insTA: is a null variant in a gene where loss of function is a known mechanism of disease (PVS1), Extremely low frequency in gnomAD population databases (PM2), For recessive disorders, detected in trans with a pathogenic variant, or in a homozygous or compound heterozygous state in affected cases (PM3).